The following is an entry in ClinVar:

ClinVar aggregate classification (germline): Uncertain significance (1 of 4 stars; one submission).

Allele frequency attached by ClinVar (database versions not stated): 1000 Genomes Project 0.00020; 1000 Genomes Project 30x 0.00031.
gnomAD v4.1: 34 of 1,550,330 alleles (0.0022%); highest among the groups gnomAD compares: East Asian, 0.0073%; no homozygotes.

Submission:

Labcorp Genetics (formerly Invitae), Labcorp
Classification: Uncertain significance. Last evaluated: 2024-12-31. Review status: criteria provided, single submitter. Criteria: Invitae Variant Classification Sherloc (09022015). Collection method: clinical testing. Allele origin: germline.
Comment: This sequence change replaces glycine, which is neutral and non-polar, with arginine, which is basic and polar, at codon 42 of the TCF3 protein (p.Gly42Arg). This variant is present in population databases (rs528980993, gnomAD 0.02%). This variant has not been reported in the literature in individuals affected with TCF3-related conditions. ClinVar contains an entry for this variant (Variation ID: 1441950). Invitae Evidence Modeling of protein sequence and biophysical properties (such as structural, functional, and spatial information, amino acid conservation, physicochemical variation, residue mobility, and thermodynamic stability) indicates that this missense variant is not expected to disrupt TCF3 protein function with a negative predictive value of 80%. In summary, the available evidence is currently insufficient to determine the role of this variant in disease. Therefore, it has been classified as a Variant of Uncertain Significance.

NM_003200.5(TCF3):c.124G>A (p.Gly42Arg)

Gene: TCF3 (transcription factor 3; minus strand). Cytogenetic location: 19p13.3.
Variant type: single nucleotide variant.
Coding change: c.124G>A on transcript NM_003200.5 (MANE Select); coding-DNA position 124, G replaced by A.
Protein change: p.Gly42Arg; replaces glycine 42 with arginine.
Molecular consequence: missense variant.
Genome position (GRCh38, 1-based): chr19:1,646,376, C>T on the plus strand (G>A on the coding strand, the complement: TCF3 is on the minus strand). VCF-style: chr19-1646376-C-T. GRCh37 (hg19) VCF-style: chr19-1646375-C-T.
Other names: c.124G>A, p.Gly42Arg (NM_001136139.4, NM_001351778.2, NM_001351779.2); short protein forms G42R.
Identifiers: ClinVar variation 1441950 (VCV001441950.6), dbSNP rs528980993, ClinGen allele CA9050583.